The following is an entry in ClinVar:

ClinVar aggregate classification (germline): Conflicting classifications of pathogenicity. Review status: criteria provided, conflicting classifications (1 of 4 stars). 8 submissions from 8 submitters: Uncertain significance (2); Benign (1); Likely benign (5). Last evaluated 2025-11-03.

Conditions:
Hereditary cancer-predisposing syndrome. Also called: Tumor predisposition; Hereditary Cancer Syndrome; Hereditary neoplastic syndrome; Neoplastic Syndromes, Hereditary. Identifiers: Orphanet 140162, MedGen C0027672, MeSH D009386, MONDO:0015356.
Peutz-Jeghers syndrome (PJS). Also called: POLYPOSIS, HAMARTOMATOUS INTESTINAL; POLYPS-AND-SPOTS SYNDROME; Peutz-Jeghers polyposis; Periorificial lentiginosis syndrome. Identifiers: Orphanet 2869, MedGen C0031269, MeSH D010580, MONDO:0008280, OMIM 175200.

Allele frequency attached by ClinVar (database versions not stated): gnomAD 0.00001.
gnomAD v4.1: 2 of 1,587,726 alleles (0.00013%); highest among the groups gnomAD compares: East Asian, 0.0023%; no homozygotes.

Submissions (8):

Labcorp Genetics (formerly Invitae), Labcorp
Classification: Likely benign for Peutz-Jeghers syndrome. Last evaluated: 2025-11-03. Review status: criteria provided, single submitter. Criteria: Invitae Variant Classification Sherloc (09022015). Collection method: clinical testing. Allele origin: germline.

Myriad Genetics, Inc.
Classification: Benign for Peutz-Jeghers syndrome. Last evaluated: 2025-03-24. Review status: criteria provided, single submitter. Criteria: Myriad Autosomal Dominant, Autosomal Recessive and X-Linked Classification Criteria (2023). Collection method: clinical testing. Allele origin: unknown.
Comment: This variant is considered benign. This variant is a silent/synonymous amino acid change and it is not expected to impact splicing.

Quest Diagnostics Nichols Institute San Juan Capistrano
Classification: Uncertain significance. Last evaluated: 2023-11-07. Review status: criteria provided, single submitter. Criteria: Quest Diagnostics criteria. Collection method: clinical testing. Allele origin: unknown.
Comment: The STK11 c.15C>T (p.Asp5=) synonymous variant has not been reported in individuals with STK11-related conditions in the published literature. It also has not been reported in large, multi-ethnic general populations (Genome Aggregation Database). Analysis of this variant using software algorithms for the prediction of the effect of nucleotide changes on splicing yielded predictions that this variant does not affect STK11 mRNA splicing. Based on the available information, we are unable to determine the clinical significance of this variant.

Department of Pathology and Laboratory Medicine, Sinai Health System
Classification: Uncertain significance for Peutz-Jeghers syndrome. Last evaluated: 2021-11-26. Review status: criteria provided, single submitter. Criteria: ACMG Guidelines, 2015. Collection method: clinical testing. Allele origin: germline. Affected: yes.

Sema4
Classification: Likely benign for Hereditary cancer-predisposing syndrome. Last evaluated: 2020-11-09. Review status: criteria provided, single submitter. Criteria: Sema4 Curation Guidelines. Collection method: curation. Allele origin: germline.

Women's Health and Genetics/Laboratory Corporation of America, LabCorp
Classification: Likely benign. Last evaluated: 2019-08-29. Review status: criteria provided, single submitter. Criteria: LabCorp Variant Classification Summary - May 2015. Collection method: clinical testing. Allele origin: germline.

Color Diagnostics, LLC DBA Color Health
Classification: Likely benign for Hereditary cancer-predisposing syndrome. Last evaluated: 2017-08-21. Review status: criteria provided, single submitter. Criteria: ACMG Guidelines, 2015. Collection method: clinical testing. Allele origin: germline.

Ambry Genetics
Classification: Likely benign for Hereditary cancer-predisposing syndrome. Last evaluated: 2014-11-21. Review status: criteria provided, single submitter. Criteria: Ambry Variant Classification Scheme 2023. Collection method: clinical testing. Allele origin: germline.

NM_000455.5(STK11):c.15C>T (p.Asp5=)

Gene: STK11 (serine/threonine kinase 11; plus strand). Cytogenetic location: 19p13.3.
Variant type: single nucleotide variant.
Coding change: c.15C>T on transcript NM_000455.5 (MANE Select); coding-DNA position 15, C replaced by T.
Protein change: p.Asp5=; no amino-acid change (aspartic acid 5 retained).
Molecular consequence: synonymous variant.
Genome position (GRCh38, 1-based): chr19:1,206,928, C>T. VCF-style: chr19-1206928-C-T. GRCh37 (hg19) VCF-style: chr19-1206927-C-T.
Identifiers: ClinVar variation 184490 (VCV000184490.23), dbSNP rs786201498, ClinGen allele CA022675.